The following is an entry in ClinVar:

NM_198525.3(KIF7):c.919A>T (p.Thr307Ser)

Gene: KIF7 (kinesin family member 7; minus strand). Cytogenetic location: 15q26.1.
Variant type: single nucleotide variant.
Coding change: c.919A>T on transcript NM_198525.3 (MANE Select); coding-DNA position 919, A replaced by T.
Protein change: p.Thr307Ser; replaces threonine 307 with serine.
Molecular consequence: missense variant.
Genome position (GRCh38, 1-based): chr15:89,648,978, T>A on the plus strand (A>T on the coding strand, the complement: KIF7 is on the minus strand). VCF-style: chr15-89648978-T-A. GRCh37 (hg19) VCF-style: chr15-90192209-T-A.
Other names: short protein forms T307S.
Identifiers: ClinVar variation 1193526 (VCV001193526.9), dbSNP rs954983148, ClinGen allele CA274582727.

ClinVar aggregate classification (germline): Uncertain significance. Review status: criteria provided, multiple submitters, no conflicts (2 of 4 stars). 5 submissions from 5 submitters: Uncertain significance (5). Last evaluated 2025-03-15.

Conditions:
Acrocallosal syndrome (ACLS). Also called: Schinzel syndrome 1; Absence of corpus callosum with unusual facial appearance, mental deficiency, duplication of the halluces and polydactyly; HALLUX DUPLICATION, POSTAXIAL POLYDACTYLY, AND ABSENCE OF CORPUS CALLOSUM. Identifiers: Orphanet 36, MedGen C0796147, MONDO:0008708, OMIM 200990.
Inborn genetic diseases. Identifiers: MedGen C0950123, MeSH D030342.

Allele frequency attached by ClinVar (database versions not stated): gnomAD exomes 0.00002 and 0.00007; gnomAD 0.00010 and 0.00011; TOPMed 0.00019.
gnomAD v4.1: 43 of 1,535,538 alleles (0.0028%); highest among the groups gnomAD compares: African/African-American, 0.047%; no homozygotes.

Submissions (5):

Ambry Genetics
Classification: Uncertain significance for Inborn genetic diseases. Last evaluated: 2025-03-15. Review status: criteria provided, single submitter. Criteria: Ambry Variant Classification Scheme 2023. Collection method: clinical testing. Allele origin: germline.

Genetic Services Laboratory, University of Chicago
Classification: Uncertain significance. Last evaluated: 2023-03-01. Review status: criteria provided, single submitter. Criteria: ACMG Guidelines, 2015. Collection method: clinical testing. Allele origin: germline. Affected: no.
Comment: DNA sequence analysis of the KIF7 gene demonstrated a sequence change, c.919A>T, in exon 4 that results in an amino acid change, p.Thr307Ser. This sequence change has been described in the gnomAD database with a frequency of 0.057% in the African/African American subpopulation (dbSNP rs954983148). The p.Thr307Ser change affects a highly conserved amino acid residue located in a domain of the KIF7 protein that is known to be functional. The p.Thr307Ser substitution appears to be deleterious using several in-silico pathogenicity prediction tools (SIFT, PolyPhen2, Align GVGD, REVEL). This sequence change does not appear to have been previously described in individuals with KIF7-related disorders. Due to insufficient evidence and the lack of functional studies, the clinical significance of the p.Thr307Ser change remains unknown at this time.

Blueprint Genetics
Classification: Uncertain significance. Last evaluated: 2023-01-03. Review status: criteria provided, single submitter. Criteria: ACMG Guidelines, 2015. Collection method: clinical testing. Allele origin: germline.

Labcorp Genetics (formerly Invitae), Labcorp
Classification: Uncertain significance for Acrocallosal syndrome. Last evaluated: 2022-10-17. Review status: criteria provided, single submitter. Criteria: Invitae Variant Classification Sherloc (09022015). Collection method: clinical testing. Allele origin: germline.
Comment: This sequence change replaces threonine, which is neutral and polar, with serine, which is neutral and polar, at codon 307 of the KIF7 protein (p.Thr307Ser). This variant is present in population databases (no rsID available, gnomAD 0.06%). This variant has not been reported in the literature in individuals affected with KIF7-related conditions. ClinVar contains an entry for this variant (Variation ID: 1193526). Advanced modeling of protein sequence and biophysical properties (such as structural, functional, and spatial information, amino acid conservation, physicochemical variation, residue mobility, and thermodynamic stability) has been performed at Invitae for this missense variant, however the output from this modeling did not meet the statistical confidence thresholds required to predict the impact of this variant on KIF7 protein function. In summary, the available evidence is currently insufficient to determine the role of this variant in disease. Therefore, it has been classified as a Variant of Uncertain Significance.

GeneDx
Classification: Uncertain significance. Last evaluated: 2021-05-17. Review status: criteria provided, single submitter. Criteria: GeneDx Variant Classification Process June 2021. Collection method: clinical testing. Allele origin: germline. Affected: yes.